The following is an entry in ClinVar:

ClinVar aggregate classification (germline): Likely benign (1 of 4 stars; one submission).

Conditions:
Leigh syndrome (NULS). Also called: Leigh's necrotizing encephalopathy; Leigh's disease; Leigh Syndrome (mtDNA deletion); Leigh Disease; Subacute necrotizing encephalopathy; Necrotizing encephalopathy infantile subacute of Leigh. Identifiers: Orphanet 506, MedGen C2931891, MONDO:0009723, OMIM 256000.

Submission:

Wong Mito Lab, Molecular and Human Genetics, Baylor College of Medicine
Classification: Likely benign for Leigh syndrome. Last evaluated: 2019-10-17. Review status: criteria provided, single submitter. Criteria: Modified ACMG Guidelines (Unpublished). Collection method: clinical testing. Allele origin: germline.
Comment: The NC_012920.1:m.12481T>A (YP_003024036.1:p.Phe49Ile) variant in MTND5 gene is interpretated to be a Likely Benign variant based on the modified ACMG guidelines (unpublished). This variant meets the following evidence codes: BP4, BP5

NC_012920.1(MT-ND5):m.12481T>A

Gene: MT-ND5 (mitochondrially encoded NADH dehydrogenase 5; plus strand).
Variant type: single nucleotide variant.
Genome position: chrM-12481-T-A.
Identifiers: ClinVar variation 693452 (VCV000693452.1), dbSNP rs1603223762, ClinGen allele CA414813361.